The following is an entry in ClinVar:

ClinVar aggregate classification (germline): Uncertain significance (1 of 4 stars; one submission).

gnomAD v4.1: 1 of 1,613,910 alleles (0.000062%); no homozygotes.

Submission:

Labcorp Genetics (formerly Invitae), Labcorp
Classification: Uncertain significance. Last evaluated: 2022-08-31. Review status: criteria provided, single submitter. Criteria: Invitae Variant Classification Sherloc (09022015). Collection method: clinical testing. Allele origin: germline.
Comment: Algorithms developed to predict the effect of missense changes on protein structure and function (SIFT, PolyPhen-2, Align-GVGD) all suggest that this variant is likely to be tolerated. In summary, the available evidence is currently insufficient to determine the role of this variant in disease. Therefore, it has been classified as a Variant of Uncertain Significance. This sequence change replaces leucine, which is neutral and non-polar, with valine, which is neutral and non-polar, at codon 1724 of the MPDZ protein (p.Leu1724Val). This variant is not present in population databases (gnomAD no frequency). This variant has not been reported in the literature in individuals affected with MPDZ-related conditions. ClinVar contains an entry for this variant (Variation ID: 1362836).

NM_001378778.1(MPDZ):c.5170C>G (p.Leu1724Val)

Gene: MPDZ (multiple PDZ domain crumbs cell polarity complex component; minus strand). Cytogenetic location: 9p23.
Variant type: single nucleotide variant.
Coding change: c.5170C>G on transcript NM_001378778.1 (MANE Select); coding-DNA position 5170, C replaced by G.
Protein change: p.Leu1724Val; replaces leucine 1724 with valine.
Molecular consequence: missense variant.
Genome position (GRCh38, 1-based): chr9:13,121,800, G>C on the plus strand (C>G on the coding strand, the complement: MPDZ is on the minus strand). VCF-style: chr9-13121800-G-C. GRCh37 (hg19) VCF-style: chr9-13121799-G-C.
Other names: c.5071C>G, p.Leu1691Val (NM_001261406.2, NM_001261407.2, NM_001375416.1 and 3 more transcripts); c.5170C>G, p.Leu1724Val (NM_001330637.2, NM_003829.5); c.5269C>G, p.Leu1757Val (NM_001375413.1); c.4960C>G, p.Leu1654Val (NM_001375420.1, NM_001375421.1, NM_001375422.1 and 4 more transcripts); c.4762C>G, p.Leu1588Val (NM_001375427.1); short protein forms L1691V, L1588V, L1724V, L1654V, L1757V.
Identifiers: ClinVar variation 1362836 (VCV001362836.8), dbSNP rs2131608583, ClinGen allele CA372944223.